The following is an entry in ClinVar:

ClinVar aggregate classification (germline): Conflicting classifications of pathogenicity. Review status: criteria provided, conflicting classifications (1 of 4 stars). 7 submissions from 7 submitters: Uncertain significance (2); Benign (4). 1 of the submissions does not count toward it. Last evaluated 2025-12-19.

Conditions:
CASK-related disorder. Also called: CASK-related disorders; CASK-related condition.
Inborn genetic diseases. Identifiers: MedGen C0950123, MeSH D030342.
Intellectual disability, CASK-related, X-linked. Identifiers: MedGen CN043158.

Allele frequency attached by ClinVar (database versions not stated): 1000 Genomes Project 30x 0.00520; gnomAD below 0.00001 and 0.00035; TOPMed 0.00003; gnomAD exomes 0.00064 and 0.00133; ExAC 0.00162; 1000 Genomes Project 0.00503.
gnomAD v4.1: 758 of 1,193,378 alleles (0.064%); highest among the groups gnomAD compares: South Asian, 1.2%; 2 homozygotes.

Submissions (7):

Labcorp Genetics (formerly Invitae), Labcorp
Classification: Benign for Intellectual disability, CASK-related, X-linked. Last evaluated: 2025-12-19. Review status: criteria provided, single submitter. Criteria: Invitae Variant Classification Sherloc (09022015). Collection method: clinical testing. Allele origin: germline.

Blueprint Genetics
Classification: Benign. Last evaluated: 2024-10-21. Review status: criteria provided, single submitter. Criteria: ACMG Guidelines, 2015. Collection method: clinical testing. Allele origin: germline.

GeneDx
Classification: Benign. Last evaluated: 2017-06-23. Review status: criteria provided, single submitter. Criteria: GeneDx Variant Classification (06012015). Collection method: clinical testing. Allele origin: germline. Affected: yes.
Comment: This variant is considered likely benign or benign based on one or more of the following criteria: it is a conservative change, it occurs at a poorly conserved position in the protein, it is predicted to be benign by multiple in silico algorithms, and/or has population frequency not consistent with disease.

Ambry Genetics
Classification: Benign for Inborn genetic diseases. Last evaluated: 2016-11-18. Review status: criteria provided, single submitter. Criteria: Ambry Variant Classification Scheme 2023. Collection method: clinical testing. Allele origin: germline.

Genetic Services Laboratory, University of Chicago
Classification: Uncertain significance. Last evaluated: 2015-02-10. Review status: criteria provided, single submitter. Criteria: ACMG Guidelines, 2015. Collection method: clinical testing. Allele origin: germline.

Eurofins Ntd Llc (ga)
Classification: Uncertain significance. Last evaluated: 2014-01-10. Review status: criteria provided, single submitter. Criteria: EGL Classification Definitions 2015. Collection method: clinical testing. Allele origin: germline. Observed: 1 variant allele, 1 heterozygote.

PreventionGenetics, part of Exact Sciences
Classification: Benign for CASK-related condition. Last evaluated: 2021-02-11. Review status: no assertion criteria provided. Collection method: clinical testing. Allele origin: germline. Not counted in ClinVar's aggregate classification.
Comment: This variant is classified as benign based on ACMG/AMP sequence variant interpretation guidelines (Richards et al. 2015 PMID: 25741868, with internal and published modifications).

NM_001367721.1(CASK):c.891A>G (p.Lys297=)

Gene: CASK (calcium/calmodulin dependent serine protein kinase; minus strand). Cytogenetic location: Xp11.4.
Variant type: single nucleotide variant.
Coding change: c.891A>G on transcript NM_001367721.1 (MANE Select); coding-DNA position 891, A replaced by G.
Protein change: p.Lys297=; no amino-acid change (lysine 297 retained).
Molecular consequence: synonymous variant.
Genome position (GRCh38, 1-based): chrX:41,636,602, T>C on the plus strand (A>G on the coding strand, the complement: CASK is on the minus strand). VCF-style: chrX-41636602-T-C. GRCh37 (hg19) VCF-style: chrX-41495855-T-C.
Other names: c.891A>G, p.Lys297= (NM_001126054.3, NM_001126055.3, NM_001410745.1 and 1 more transcripts).
Identifiers: ClinVar variation 166795 (VCV000166795.28), dbSNP rs544979992, ClinGen allele CA207263.